The following is an entry in ClinVar:

NM_001429.4(EP300):c.6644A>G (p.Gln2215Arg)

Gene: EP300 (EP300 lysine acetyltransferase; plus strand). Cytogenetic location: 22q13.2.
Variant type: single nucleotide variant.
Coding change: c.6644A>G on transcript NM_001429.4 (MANE Select); coding-DNA position 6644, A replaced by G.
Protein change: p.Gln2215Arg; replaces glutamine 2215 with arginine.
Molecular consequence: missense variant.
Genome position (GRCh38, 1-based): chr22:41,178,355, A>G. VCF-style: chr22-41178355-A-G. GRCh37 (hg19) VCF-style: chr22-41574359-A-G.
Other names: c.6566A>G, p.Gln2189Arg (NM_001362843.2); short protein forms Q2189R, Q2215R.
Identifiers: ClinVar variation 2672913 (VCV002672913.23), dbSNP rs2517835221, ClinGen allele CA411682434.
Genomic context (GRCh38, chr22:41,178,355, plus strand): 5'-AGGGAGCAGGGCCAGGAATAGGCCCTGGAATGGCCAACCATAACCAGTTCCAGCAACCCC[A>G]AGGAGTTGGCTACCCACCACAGCAGCAGCAGCGGATGCAGCATCACATGCAACAGATGCA-3'
Protein context (NP_001420.2, residues 2205-2225): MANHNQFQQP[Gln2215Arg]GVGYPPQQQQ

ClinVar aggregate classification (germline): Uncertain significance (1 of 4 stars; one submission).

Submission:

CeGaT Center for Human Genetics Tuebingen
Classification: Uncertain significance. Last evaluated: 2023-11-01. Review status: criteria provided, single submitter. Criteria: CeGaT Center For Human Genetics Tuebingen Variant Classification Criteria Version 2. Collection method: clinical testing. Allele origin: germline. Affected: yes. Observed: 1 variant allele.
Comment: EP300: PM2, BP4